The following is an entry in ClinVar:

NM_018699.4(PRDM5):c.269C>A (p.Ser90Tyr)

Gene: PRDM5 (PR/SET domain 5; minus strand). Cytogenetic location: 4q27.
Variant type: single nucleotide variant.
Coding change: c.269C>A on transcript NM_018699.4 (MANE Select); coding-DNA position 269, C replaced by A.
Protein change: p.Ser90Tyr; replaces serine 90 with tyrosine.
Molecular consequence: missense variant.
Genome position (GRCh38, 1-based): chr4:120,853,449, G>T on the plus strand (C>A on the coding strand, the complement: PRDM5 is on the minus strand). VCF-style: chr4-120853449-G-T. GRCh37 (hg19) VCF-style: chr4-121774604-G-T.
Other names: c.269C>A, p.Ser90Tyr (NM_001300823.2, NM_001300824.2, NM_001379104.1 and 1 more transcripts); short protein forms S90Y.
Identifiers: ClinVar variation 3309799 (VCV003309799.1).
Genomic context (GRCh38, chr4:120,853,449, plus strand): 5'-TAGTACAAATGAGAAGCAAATAAGCTCACTTGAATGGCAGCCAAGTTCTTCTGCTCCTGA[G>T]ATGGTGCCTCATGAACGAAGCGAAGCCAGTTGGAGTGCCGTGGGTTGGTAGCATCCAAAA-3'
Protein context (NP_061169.2, residues 80-100): NWLRFVHEAP[Ser90Tyr]QEQKNLAAIQ

ClinVar aggregate classification (germline): Uncertain significance (1 of 4 stars; one submission).

Conditions:
Cardiovascular phenotype. Identifiers: MedGen CN230736.

Submission:

Ambry Genetics
Classification: Uncertain significance for Cardiovascular phenotype. Last evaluated: 2024-03-19. Review status: criteria provided, single submitter. Criteria: Ambry Variant Classification Scheme 2023. Collection method: clinical testing. Allele origin: germline.
Comment: The p.S90Y variant (also known as c.269C>A), located in coding exon 3 of the PRDM5 gene, results from a C to A substitution at nucleotide position 269. The serine at codon 90 is replaced by tyrosine, an amino acid with dissimilar properties. This amino acid position is conserved. In addition, the in silico prediction for this alteration is inconclusive. Based on the available evidence, the clinical significance of this alteration remains unclear.